The following is an entry in ClinVar:

NM_006766.5(KAT6A):c.1179C>G (p.Cys393Trp)

Gene: KAT6A (lysine acetyltransferase 6A; minus strand). Cytogenetic location: 8p11.21.
Variant type: single nucleotide variant.
Coding change: c.1179C>G on transcript NM_006766.5 (MANE Select); coding-DNA position 1179, C replaced by G.
Protein change: p.Cys393Trp; replaces cysteine 393 with tryptophan.
Molecular consequence: missense variant.
Genome position (GRCh38, 1-based): chr8:41,977,192, G>C on the plus strand (C>G on the coding strand, the complement: KAT6A is on the minus strand). VCF-style: chr8-41977192-G-C. GRCh37 (hg19) VCF-style: chr8-41834710-G-C.
Other names: c.1179C>G, p.Cys393Trp (NM_001305878.2); short protein forms C393W.
Identifiers: ClinVar variation 2051906 (VCV002051906.4), dbSNP rs2486807219, ClinGen allele CA371076064.

ClinVar aggregate classification (germline): Uncertain significance (1 of 4 stars; one submission).

Submission:

Labcorp Genetics (formerly Invitae), Labcorp
Classification: Uncertain significance. Last evaluated: 2022-07-14. Review status: criteria provided, single submitter. Criteria: Invitae Variant Classification Sherloc (09022015). Collection method: clinical testing. Allele origin: germline.
Comment: This variant is not present in population databases (gnomAD no frequency). In summary, the available evidence is currently insufficient to determine the role of this variant in disease. Therefore, it has been classified as a Variant of Uncertain Significance. Algorithms developed to predict the effect of missense changes on protein structure and function are either unavailable or do not agree on the potential impact of this missense change (SIFT: "Tolerated"; PolyPhen-2: "Possibly Damaging"; Align-GVGD: "Class C0"). This variant has not been reported in the literature in individuals affected with KAT6A-related conditions. This sequence change replaces cysteine, which is neutral and slightly polar, with tryptophan, which is neutral and slightly polar, at codon 393 of the KAT6A protein (p.Cys393Trp).